The following is an entry in ClinVar:

NM_201384.3(PLEC):c.11503G>A (p.Asp3835Asn)

Gene: PLEC (plectin; minus strand). Cytogenetic location: 8q24.3.
Variant type: single nucleotide variant.
Coding change: c.11503G>A on transcript NM_201384.3 (MANE Select); coding-DNA position 11503, G replaced by A.
Protein change: p.Asp3835Asn; replaces aspartic acid 3835 with asparagine.
Molecular consequence: missense variant.
Genome position (GRCh38, 1-based): chr8:143,918,318, C>T on the plus strand (G>A on the coding strand, the complement: PLEC is on the minus strand). VCF-style: chr8-143918318-C-T. GRCh37 (hg19) VCF-style: chr8-144992486-C-T.
Other names: p.Asp3862Asn; c.11584G>A, p.Asp3862Asn (NM_000445.5); c.11461G>A, p.Asp3821Asn (NM_201378.4); c.11437G>A, p.Asp3813Asn (NM_201379.3); c.11914G>A, p.Asp3972Asn (NM_201380.4); c.11407G>A, p.Asp3803Asn (NM_201381.3); c.11503G>A, p.Asp3835Asn (NM_201382.4); c.11515G>A, p.Asp3839Asn (NM_201383.3); short protein forms D3803N, D3813N, D3821N, D3835N, D3839N, D3862N, D3972N.
Identifiers: ClinVar variation 501829 (VCV000501829.18), dbSNP rs368824832, ClinGen allele CA4924334.
Genomic context (GRCh38, chr8:143,918,318, plus strand): 5'-GGCGCTCGTCGGTGGACGGGTCCACGTAGCTGCGCACCTCGCTGGGCTCTGACAGCTGGT[C>T]GTGCGTGTCCTTGTTGAGGTAGCCACGCTGGTAAGCCACCTCCAGGGGAAGGTGGAAGCC-3'
Protein context (NP_958786.1, residues 3825-3845): QRGYLNKDTH[Asp3835Asn]QLSEPSEVRS

ClinVar aggregate classification (germline): Conflicting classifications of pathogenicity. Review status: criteria provided, conflicting classifications (1 of 4 stars). 6 submissions from 6 submitters: Uncertain significance (3); Likely benign (3). Last evaluated 2025-09-29.

Conditions:
PLEC-related disorder. Also called: PLEC-related condition; PLEC-related disorders.
Autosomal recessive limb-girdle muscular dystrophy type 2Q (LGMDR17). Also called: MUSCULAR DYSTROPHY, LIMB-GIRDLE, AUTOSOMAL RECESSIVE 17. Identifiers: Orphanet 254361, MedGen C3150989, MONDO:0013390, OMIM 613723.
Epidermolysis bullosa simplex 5B, with muscular dystrophy (EBS5B). Also called: EPIDERMOLYSIS BULLOSA SIMPLEX AND LIMB-GIRDLE MUSCULAR DYSTROPHY; Epidermolysis bullosa simplex with muscular dystrophy. Identifiers: Orphanet 257, MedGen C2931072, MONDO:0009181, OMIM 226670.
Epidermolysis bullosa simplex, Ogna type (EBS5A). Also called: Pidermolysis bullosa simplex 5A, Ogna type; EPIDERMOLYSIS BULLOSA SIMPLEX 5A, OGNA TYPE. Identifiers: Orphanet 79401, MedGen C0432317, MONDO:0007555, OMIM 131950.
Epidermolysis bullosa simplex with nail dystrophy (EBS5D). Identifiers: MedGen C4225309, MONDO:0014661, OMIM 616487.
Epidermolysis bullosa simplex 5C, with pyloric atresia (EBS5C). Also called: PLEC-Related Epidermolysis Bullosa with Pyloric Atresia; Epidermolysis bullosa simplex with pyloric atresia; PLEC1-Related Epidermolysis Bullosa with Pyloric Atresia. Identifiers: Orphanet 158684, MedGen C2677349, MONDO:0012807, OMIM 612138.

Allele frequency attached by ClinVar (database versions not stated): ESP Exome Variant Server 0.00008; gnomAD 0.00013 and 0.00015; gnomAD exomes 0.00015 and 0.00032; TOPMed 0.00017; ExAC 0.00041.
gnomAD v4.1: 245 of 1,588,912 alleles (0.015%); highest among the groups gnomAD compares: South Asian, 0.047%; no homozygotes.

Submissions (6):

Labcorp Genetics (formerly Invitae), Labcorp
Classification: Likely benign for Autosomal recessive limb-girdle muscular dystrophy type 2Q; Epidermolysis bullosa simplex, Ogna type; Epidermolysis bullosa simplex with nail dystrophy; Epidermolysis bullosa simplex 5C, with pyloric atresia; Epidermolysis bullosa simplex 5B, with muscular dystrophy. Last evaluated: 2025-09-29. Review status: criteria provided, single submitter. Criteria: Invitae Variant Classification Sherloc (09022015). Collection method: clinical testing. Allele origin: germline.

Revvity Omics, Revvity
Classification: Uncertain significance. Last evaluated: 2025-06-12. Review status: criteria provided, single submitter. Criteria: ACMG Guidelines, 2015. Collection method: clinical testing. Allele origin: germline.

Mayo Clinic Laboratories, Mayo Clinic
Classification: Likely benign. Last evaluated: 2025-03-10. Review status: criteria provided, single submitter. Criteria: ACMG Guidelines, 2015. Collection method: clinical testing. Allele origin: germline. Observed: 2 variant alleles.
Comment: BS1, BP4

PreventionGenetics, part of Exact Sciences
Classification: Likely benign for PLEC-related condition. Last evaluated: 2025-01-19. Review status: criteria provided, single submitter. Criteria: ACMG Guidelines, 2015. Collection method: clinical testing. Allele origin: germline.
Comment: This variant is classified as likely benign based on ACMG/AMP sequence variant interpretation guidelines (Richards et al. 2015 PMID: 25741868, with internal and published modifications).

Women's Health and Genetics/Laboratory Corporation of America, LabCorp
Classification: Uncertain significance. Last evaluated: 2024-07-26. Review status: criteria provided, single submitter. Criteria: LabCorp Variant Classification Summary - May 2015. Collection method: clinical testing. Allele origin: germline.
Comment: Variant summary: PLEC c.11584G>A (p.Asp3862Asn) results in a conservative amino acid change located in the Plectin repeat domain (IPR001101) of the encoded protein sequence. Four of five in-silico tools predict a benign effect of the variant on protein function. The variant allele was found at a frequency of 0.00015 in 1581992 control chromosomes (v4.1 dataset). To our knowledge, no occurrence of c.11584G>A in individuals affected with PLEC-Related Disorders and no experimental evidence demonstrating its impact on protein function have been reported. ClinVar contains an entry for this variant (Variation ID: 501829). Based on the evidence outlined above, the variant was classified as uncertain significance.

Eurofins Ntd Llc (ga)
Classification: Uncertain significance. Last evaluated: 2017-05-04. Review status: criteria provided, single submitter. Criteria: EGL Classification Definitions 2015. Collection method: clinical testing. Allele origin: germline. Observed: 3 variant alleles, 3 heterozygotes.

Literature cited by the submitters: PubMed 25556389 (cited by Mayo Clinic Laboratories, Mayo Clinic); PubMed 28824526 (cited by Mayo Clinic Laboratories, Mayo Clinic).